The following is an entry in ClinVar:

NM_001378615.1(CC2D2A):c.3495+5G>A

Genes: CC2D2A (coiled-coil and C2 domain containing 2A; plus strand), FBXL5 (F-box and leucine rich repeat protein 5; minus strand). Cytogenetic location: 4p15.32.
Variant type: single nucleotide variant.
Coding change: c.3495+5G>A on transcript NM_001378615.1 (MANE Select); 5 bases into the intron after coding-DNA position 3495, G replaced by A.
Molecular consequence: intron variant.
Genome position (GRCh38, 1-based): chr4:15,569,394, G>A. VCF-style: chr4-15569394-G-A. GRCh37 (hg19) VCF-style: chr4-15571017-G-A.
Other names: c.3495+5G>A (NM_001080522.2); c.3348+5G>A (NM_001378617.1).
Identifiers: ClinVar variation 1050246 (VCV001050246.1), dbSNP rs1470745200, ClinGen allele CA789432188.

ClinVar aggregate classification (germline): Uncertain significance (0 of 4 stars; one submission).

Allele frequency attached by ClinVar (database versions not stated): TOPMed below 0.00001; gnomAD 0.00001; gnomAD exomes 0.00001.
gnomAD v4.1: 15 of 1,523,316 alleles (0.00098%); highest among the groups gnomAD compares: Non-Finnish European, 0.0013%; no homozygotes.

Submission:

Department of Pathology and Laboratory Medicine, Sinai Health System
Classification: Uncertain significance. Review status: no assertion criteria provided. Collection method: clinical testing. Allele origin: unknown. Affected: yes. Study: The Canadian Open Genetics Repository (COGR).
Comment: The CC2D2A c.3495+5G>A variant was not identified in the literature nor was it identified in ClinVar or LOVD 3.0. The variant was identified in dbSNP (ID: rs1470745200) but was not identified in the following control databases: the 1000 Genomes Project, the NHLBI GO Exome Sequencing Project, or the Genome Aggregation Database (March 6, 2019, v2.1.1). The c.3495+5G>A variant is located in the 5' splice region but does not affect the invariant +1 and +2 positions. However, positions +3 to +6 are part of the splicing consensus sequence and variants involving these positions sometimes affect splicing. In addition, four of four in silico or computational prediction software programs (SpliceSiteFinder, MaxEntScan, NNSPLICE, GeneSplicer) predict a greater than 10% difference in splicing. However, this has not been confirmed by RNA analysis and is not predictive enough to assume pathogenicity. In summary, based on the above information the clinical significance of this variant cannot be determined with certainty at this time. This variant is classified as a variant of uncertain significance.